The following is an entry in ClinVar:

NM_004408.4(DNM1):c.1321C>T (p.Gln441Ter)

Gene: DNM1 (dynamin 1; plus strand). Cytogenetic location: 9q34.11.
Variant type: single nucleotide variant.
Coding change: c.1321C>T on transcript NM_004408.4 (MANE Select); coding-DNA position 1321, C replaced by T.
Protein change: p.Gln441Ter; replaces glutamine 441 with a stop codon.
Molecular consequence: nonsense. On other transcripts: intron variant (3).
Genome position (GRCh38, 1-based): chr9:128,224,375, C>T. VCF-style: chr9-128224375-C-T. GRCh37 (hg19) VCF-style: chr9-130986654-C-T.
Other names: c.1321C>T, p.Gln441Ter (NM_001005336.3, NM_001374269.1); c.1196+1515C>T (NM_001288738.2, NM_001288737.2, NM_001288739.2); short protein forms Q441*.
Identifiers: ClinVar variation 3637806 (VCV003637806.2).

ClinVar aggregate classification (germline): Pathogenic (1 of 4 stars; one submission).

Conditions:
Developmental and epileptic encephalopathy, 31A. Also called: Developmental and epileptic encephalopathy, 31; Epileptic encephalopathy, early infantile, 31. Identifiers: Orphanet 2382, MedGen C4225357, MONDO:0014598, OMIM 616346.

gnomAD v4.1: 5 of 1,611,782 alleles (0.00031%); highest among the groups gnomAD compares: Non-Finnish European, 0.00042%; no homozygotes.

Submission:

Labcorp Genetics (formerly Invitae), Labcorp
Classification: Pathogenic for Developmental and epileptic encephalopathy, 31A. Last evaluated: 2024-11-13. Review status: criteria provided, single submitter. Criteria: Invitae Variant Classification Sherloc (09022015). Collection method: clinical testing. Allele origin: germline.
Comment: This sequence change creates a premature translational stop signal (p.Gln441*) in the DNM1 gene. It is expected to result in an absent or disrupted protein product. Loss-of-function variants in DNM1 are known to be pathogenic (PMID: 34172529). This variant is present in population databases (rs779417138, gnomAD 0.0009%). This variant has not been reported in the literature in individuals affected with DNM1-related conditions. For these reasons, this variant has been classified as Pathogenic.

Literature cited by the submitters: PubMed 34172529.